The following is an entry in ClinVar:

ClinVar aggregate classification (germline): Uncertain significance (1 of 4 stars; one submission).

Conditions:
Autosomal dominant hypocalcemia 1 (HYPOC1). Also called: HYPOCALCEMIA, FAMILIAL. Identifiers: MedGen C3715128, MONDO:0011013, OMIM 601198.
Familial hypocalciuric hypercalcemia (FHH). Also called: Familial benign hypercalcemia. Identifiers: Orphanet 405, MedGen C1809471, MONDO:0018458.

Submission:

Labcorp Genetics (formerly Invitae), Labcorp
Classification: Uncertain significance for Familial hypocalciuric hypercalcemia; Autosomal dominant hypocalcemia 1. Last evaluated: 2025-04-30. Review status: criteria provided, single submitter. Criteria: Invitae Variant Classification Sherloc (09022015). Collection method: clinical testing. Allele origin: germline.
Comment: This sequence change falls in intron 6 of the CASR gene. It does not directly change the encoded amino acid sequence of the CASR protein. This variant is not present in population databases (gnomAD no frequency). This variant has not been reported in the literature in individuals affected with CASR-related conditions. Algorithms developed to predict the effect of sequence changes on RNA splicing suggest that this variant may disrupt the consensus splice site. In summary, the available evidence is currently insufficient to determine the role of this variant in disease. Therefore, it has been classified as a Variant of Uncertain Significance.

NM_000388.4(CASR):c.1733-14G>A

Gene: CASR (calcium sensing receptor; plus strand). Cytogenetic location: 3q21.1.
Variant type: single nucleotide variant.
Coding change: c.1733-14G>A on transcript NM_000388.4 (MANE Select); 14 bases into the intron before coding-DNA position 1733, G replaced by A.
Molecular consequence: intron variant.
Genome position (GRCh38, 1-based): chr3:122,283,673, G>A. VCF-style: chr3-122283673-G-A. GRCh37 (hg19) VCF-style: chr3-122002520-G-A.
Other names: c.1763-14G>A (NM_001178065.2).
Identifiers: ClinVar variation 4784870 (VCV004784870.1).